The following is an entry in ClinVar:

ClinVar aggregate classification (germline): Uncertain significance. Review status: criteria provided, multiple submitters, no conflicts (2 of 4 stars). 2 submissions from 2 submitters: Uncertain significance (2). Last evaluated 2024-10-24.

Conditions:
Hereditary cancer-predisposing syndrome. Also called: Tumor predisposition; Hereditary Cancer Syndrome; Hereditary neoplastic syndrome; Neoplastic Syndromes, Hereditary. Identifiers: Orphanet 140162, MedGen C0027672, MeSH D009386, MONDO:0015356.
Neurofibromatosis, type 1 (NF1). Also called: VON RECKLINGHAUSEN DISEASE; NEUROFIBROMATOSIS, TYPE I, SOMATIC; Peripheral type neurofibromatosis; Neurofibromatosis, type I. Identifiers: Orphanet 636, MedGen C0027831, MONDO:0018975, OMIM 162200. Disease mechanism: loss of function.

Submissions (2):

Labcorp Genetics (formerly Invitae), Labcorp
Classification: Uncertain significance for Neurofibromatosis, type 1. Last evaluated: 2024-10-24. Review status: criteria provided, single submitter. Criteria: Invitae Variant Classification Sherloc (09022015). Collection method: clinical testing. Allele origin: germline.
Comment: This sequence change replaces tyrosine, which is neutral and polar, with cysteine, which is neutral and slightly polar, at codon 2417 of the NF1 protein (p.Tyr2417Cys). This variant is not present in population databases (gnomAD no frequency). This variant has not been reported in the literature in individuals affected with NF1-related conditions. ClinVar contains an entry for this variant (Variation ID: 233722). Invitae Evidence Modeling of protein sequence and biophysical properties (such as structural, functional, and spatial information, amino acid conservation, physicochemical variation, residue mobility, and thermodynamic stability) indicates that this missense variant is expected to disrupt NF1 protein function with a positive predictive value of 95%. In summary, the available evidence is currently insufficient to determine the role of this variant in disease. Therefore, it has been classified as a Variant of Uncertain Significance.

Ambry Genetics
Classification: Uncertain significance for Hereditary cancer-predisposing syndrome. Last evaluated: 2015-09-04. Review status: criteria provided, single submitter. Criteria: Ambry Autosomal Dominant and X-Linked criteria (10/2015). Collection method: clinical testing. Allele origin: germline. Observed: 1 variant allele.
Comment: The p.Y2438C variant (also known as c.7313A>G), located in coding exon 49 of the NF1 gene, results from an A to G substitution at nucleotide position 7313. The tyrosine at codon 2438 is replaced by cysteine, an amino acid with highly dissimilar properties. This variant was not reported in population based cohorts in the following databases: Database of Single Nucleotide Polymorphisms (dbSNP), NHLBI Exome Sequencing Project (ESP), and 1000 Genomes Project. In the ESP, this variant was not observed in 6503 samples (13006 alleles) with coverage at this position. To date, this alteration has been detected with an allele frequency of approximately 0.002% (greater than55000alleles tested) in our clinical cohort.This amino acid position is well conserved in available vertebrate species. In addition, this alteration is predicted to be deleterious by in silico analysis.Since supporting evidence is limited at this time, the clinical significance of p.Y2438Cremains unclear.

NM_001042492.3(NF1):c.7313A>G (p.Tyr2438Cys)

Gene: NF1 (neurofibromin 1; plus strand). Cytogenetic location: 17q11.2.
Variant type: single nucleotide variant.
Coding change: c.7313A>G on transcript NM_001042492.3 (MANE Select); coding-DNA position 7313, A replaced by G.
Protein change: p.Tyr2438Cys; replaces tyrosine 2438 with cysteine.
Molecular consequence: missense variant.
Genome position (GRCh38, 1-based): chr17:31,349,243, A>G. VCF-style: chr17-31349243-A-G. GRCh37 (hg19) VCF-style: chr17-29676261-A-G.
Other names: c.7250A>G, p.Tyr2417Cys (NM_000267.4); short protein forms Y2417C, Y2438C.
Identifiers: ClinVar variation 233722 (VCV000233722.5), dbSNP rs876660597, ClinGen allele CA10580405.